The following is an entry in ClinVar:

ClinVar aggregate classification (germline): Uncertain significance. Review status: criteria provided, multiple submitters, no conflicts (2 of 4 stars). 3 submissions from 3 submitters: Uncertain significance (3). Last evaluated 2025-09-25.

Conditions:
Neuropathy, hereditary sensory and autonomic, type 2A (HSAN2A). Also called: ACROOSTEOLYSIS, GIACCAI TYPE; ACROOSTEOLYSIS, NEUROGENIC; MORVAN DISEASE; NEUROPATHY, CONGENITAL SENSORY; NEUROPATHY, HEREDITARY SENSORY RADICULAR, AUTOSOMAL RECESSIVE; NEUROPATHY, HEREDITARY SENSORY, TYPE IIA. Identifiers: Orphanet 970, MedGen C2752089, MONDO:0024309, OMIM 201300.
Generalized epilepsy with febrile seizures plus, type 7 (GEFSP7). Also called: GEFS+, TYPE 7. Identifiers: Orphanet 36387, MedGen C2751778, MONDO:0013470, OMIM 613863.
Inborn genetic diseases. Identifiers: MedGen C0950123, MeSH D030342.

Allele frequency attached by ClinVar (database versions not stated): TOPMed below 0.00001; gnomAD exomes 0.00001; ExAC 0.00002.
gnomAD v4.1: 12 of 1,613,782 alleles (0.00074%); highest among the groups gnomAD compares: East Asian, 0.0022%; no homozygotes.

Submissions (3):

Ambry Genetics
Classification: Uncertain significance for Inborn genetic diseases. Last evaluated: 2025-09-25. Review status: criteria provided, single submitter. Criteria: Ambry Variant Classification Scheme 2023. Collection method: clinical testing. Allele origin: germline.

Labcorp Genetics (formerly Invitae), Labcorp
Classification: Uncertain significance for Neuropathy, hereditary sensory and autonomic, type 2A; Generalized epilepsy with febrile seizures plus, type 7. Last evaluated: 2025-05-25. Review status: criteria provided, single submitter. Criteria: Invitae Variant Classification Sherloc (09022015). Collection method: clinical testing. Allele origin: germline.
Comment: This sequence change replaces serine, which is neutral and polar, with leucine, which is neutral and non-polar, at codon 501 of the SCN9A protein (p.Ser501Leu). This variant is present in population databases (rs751421307, gnomAD 0.006%). This variant has not been reported in the literature in individuals affected with SCN9A-related conditions. ClinVar contains an entry for this variant (Variation ID: 2651507). Invitae Evidence Modeling of protein sequence and biophysical properties (such as structural, functional, and spatial information, amino acid conservation, physicochemical variation, residue mobility, and thermodynamic stability) indicates that this missense variant is not expected to disrupt SCN9A protein function with a negative predictive value of 95%. In summary, the available evidence is currently insufficient to determine the role of this variant in disease. Therefore, it has been classified as a Variant of Uncertain Significance.

CeGaT Center for Human Genetics Tuebingen
Classification: Uncertain significance. Last evaluated: 2023-03-01. Review status: criteria provided, single submitter. Criteria: CeGaT Center For Human Genetics Tuebingen Variant Classification Criteria Version 2. Collection method: clinical testing. Allele origin: germline. Affected: yes. Observed: 1 variant allele.
Comment: SCN9A: PM2

NM_001365536.1(SCN9A):c.1502C>T (p.Ser501Leu)

Genes: SCN1A-AS1 (SCN1A and SCN9A antisense RNA 1; plus strand), SCN9A (sodium voltage-gated channel alpha subunit 9; minus strand). Cytogenetic location: 2q24.3.
Variant type: single nucleotide variant.
Coding change: c.1502C>T on transcript NM_001365536.1 (MANE Select); coding-DNA position 1502, C replaced by T.
Protein change: p.Ser501Leu; replaces serine 501 with leucine.
Molecular consequence: missense variant.
Genome position (GRCh38, 1-based): chr2:166,286,436, G>A on the plus strand (C>T on the coding strand, the complement: SCN9A is on the minus strand). VCF-style: chr2-166286436-G-A. GRCh37 (hg19) VCF-style: chr2-167142946-G-A.
Other names: c.1502C>T, p.Ser501Leu (NM_002977.4); short protein forms S501L.
Identifiers: ClinVar variation 2651507 (VCV002651507.27), dbSNP rs751421307, ClinGen allele CA1944499.